The following is an entry in ClinVar:

ClinVar aggregate classification (germline): Likely pathogenic (1 of 4 stars; one submission).

Conditions:
Dilated cardiomyopathy 1G (CMD1G). Identifiers: Orphanet 154, MedGen C1858763, MONDO:0011400, OMIM 604145.

Submission:

Clinical Genomics Laboratory, Stanford Medicine
Classification: Likely pathogenic for Dilated cardiomyopathy 1G. Last evaluated: 2021-07-13. Review status: criteria provided, single submitter. Criteria: ACMG Guidelines, 2015. Collection method: clinical testing. Allele origin: germline. Affected: yes. Observed: 1 heterozygote.
Comment: Thep.Lys23073Valfs*5variant in the TTN gene has not been previously reported in association with disease.•This variant was absent from large population databases, including the Genome Aggregation Database. The p.Lys23073Valfs*5 variantresults in a 2 bp deletion in exon 324 of 363 exons, which causes a shift in the protein reading frame, leading to a premature termination codon 5 amino acids downstream; however, premature termination at this location ofthe gene may not undergo nonsense-mediated decay, increasing the likelihood of an expressed protein.This variant is located in the A-band of the titin protein. Loss-of-function variants in the A-band have a known association with dilated cardiomyopathy (Morales et al., 2021).These data were assessed using the ACMG/AMP variant interpretation guidelines. In summary, there is sufficient evidence to classify thep.Lys23073Valfs*5 variant as likely pathogenic forTTN-related dilated cardiomyopathy in an autosomal dominant manner based on the information above. [ACMG evidence codes used: PVS1_Strong; PM2]

NM_001267550.2(TTN):c.69217_69218del (p.Lys23073fs)

Genes: TTN-AS1 (TTN antisense RNA 1; plus strand), TTN (titin; minus strand). Cytogenetic location: 2q31.2.
Variant type: Deletion.
Coding change: c.69217_69218del on transcript NM_001267550.2 (MANE Select); coding-DNA positions 69217 to 69218, 2 bases deleted (AA; older notation c.69217_69218delAA).
Protein change: p.Lys23073fs; shifts the reading frame from lysine 23073.
Molecular consequence: frameshift variant.
Genome position (GRCh38, 1-based): chr2:178,577,117-178,577,118, TT deleted on the plus strand (AA on the coding strand, the reverse complement: TTN is on the minus strand). VCF-style (leftmost placement, unchanged base first): chr2-178577116-CTT-C. GRCh37 (hg19) VCF-style: chr2-179441843-CTT-C.
Other names: p.Lys23073Valfs*5; c.64294_64295del, p.Lys21432fs (NM_001256850.1); c.42022_42023del, p.Lys14008fs (NM_003319.4); c.61513_61514del, p.Lys20505fs (NM_133378.4); c.42397_42398del, p.Lys14133fs (NM_133432.3); c.42598_42599del, p.Lys14200fs (NM_133437.4); short protein forms K14008fs, K14133fs, K14200fs, K20505fs, K21432fs, K23073fs.
Identifiers: ClinVar variation 3235699 (VCV003235699.1), dbSNP rs2468764466, ClinGen allele CA2825001047.
Genomic context (GRCh38, chr2:178,577,116, plus strand): 5'-ATCTTCAGAAACCACTGTCCACAAAAGTCGGCTGGTTTCTCTCTTTTCAAGTATATAGGA[CTT>C]AATTGGTGAGCCGCCATCTTCCAAGGGAGGTGTCCATGTAAGTGTTGCTTTTTCAGCAGA-3'